The following is an entry in ClinVar:

NM_000260.4(MYO7A):c.4246T>C (p.Tyr1416His)

Gene: MYO7A (myosin VIIA; plus strand). Cytogenetic location: 11q13.5.
Variant type: single nucleotide variant.
Coding change: c.4246T>C on transcript NM_000260.4 (MANE Select); coding-DNA position 4246, T replaced by C.
Protein change: p.Tyr1416His; replaces tyrosine 1416 with histidine.
Molecular consequence: missense variant.
Genome position (GRCh38, 1-based): chr11:77,194,447, T>C. VCF-style: chr11-77194447-T-C. GRCh37 (hg19) VCF-style: chr11-76905492-T-C.
Other names: c.4246T>C (NM_000260.3); c.4246T>C, p.Tyr1416His (NM_001127180.2); c.4213T>C, p.Tyr1405His (NM_001369365.1); short protein forms Y1405H, Y1416H.
Identifiers: ClinVar variation 2141407 (VCV002141407.5), dbSNP rs750356179, ClinGen allele CA6198380.
Genomic context (GRCh38, chr11:77,194,447, plus strand): 5'-TACTTTGTAGACTATGGCTCTGAGATGATCCTGGAGCGCCTCCTGAACCTCGTGCCCACC[T>C]ACATCCCCGACCGCGAGATCACGCCCCTGAAGACGCTGGAGAAGTGGGCCCAGCTGGCCA-3'
Protein context (NP_000251.3, residues 1406-1426): LERLLNLVPT[Tyr1416His]IPDREITPLK

ClinVar aggregate classification (germline): Uncertain significance. Review status: criteria provided, multiple submitters, no conflicts (2 of 4 stars). 3 submissions from 3 submitters: Uncertain significance (3). Last evaluated 2026-02-25.

Conditions:
MYO7A-related disorder. Also called: MYO7A-related disorders.

Allele frequency attached by ClinVar (database versions not stated): TOPMed below 0.00001; gnomAD exomes 0.00001; ExAC 0.00002.
gnomAD v4.1: 23 of 1,611,344 alleles (0.0014%); highest among the groups gnomAD compares: South Asian, 0.012%; no homozygotes.

Submissions (3):

PreventionGenetics, part of Exact Sciences
Classification: Uncertain significance for MYO7A-related condition. Last evaluated: 2026-02-25. Review status: criteria provided, single submitter. Criteria: ACMG Guidelines, 2015. Collection method: clinical testing. Allele origin: germline.
Comment: The MYO7A c.4246T>C variant is predicted to result in the amino acid substitution p.Tyr1416His. To our knowledge, this variant has not been reported in the literature. This variant is reported in 0.014% of alleles in individuals of South Asian descent in gnomAD. At this time, the clinical significance of this variant is uncertain due to the absence of conclusive functional and genetic evidence.

Revvity Omics, Revvity
Classification: Uncertain significance. Last evaluated: 2022-11-18. Review status: criteria provided, single submitter. Criteria: ACMG Guidelines, 2015. Collection method: clinical testing. Allele origin: germline.

Labcorp Genetics (formerly Invitae), Labcorp
Classification: Uncertain significance. Last evaluated: 2022-08-28. Review status: criteria provided, single submitter. Criteria: Invitae Variant Classification Sherloc (09022015). Collection method: clinical testing. Allele origin: germline.
Comment: This sequence change replaces tyrosine, which is neutral and polar, with histidine, which is basic and polar, at codon 1416 of the MYO7A protein (p.Tyr1416His). This variant is present in population databases (rs750356179, gnomAD 0.01%). This variant has not been reported in the literature in individuals affected with MYO7A-related conditions. Advanced modeling of protein sequence and biophysical properties (such as structural, functional, and spatial information, amino acid conservation, physicochemical variation, residue mobility, and thermodynamic stability) performed at Invitae indicates that this missense variant is expected to disrupt MYO7A protein function. In summary, the available evidence is currently insufficient to determine the role of this variant in disease. Therefore, it has been classified as a Variant of Uncertain Significance.